The following is an entry in ClinVar:

ClinVar aggregate classification (germline): Uncertain significance (1 of 4 stars; one submission).

Allele frequency attached by ClinVar (database versions not stated): gnomAD 0.00001; TOPMed 0.00001; gnomAD exomes 0.00002.
gnomAD v4.1: 23 of 1,536,324 alleles (0.0015%); highest among the groups gnomAD compares: East Asian, 0.019%; no homozygotes.

Submission:

Labcorp Genetics (formerly Invitae), Labcorp
Classification: Uncertain significance. Last evaluated: 2024-01-30. Review status: criteria provided, single submitter. Criteria: Invitae Variant Classification Sherloc (09022015). Collection method: clinical testing. Allele origin: germline.
Comment: This sequence change replaces alanine, which is neutral and non-polar, with valine, which is neutral and non-polar, at codon 41 of the NEFH protein (p.Ala41Val). The frequency data for this variant in the population databases is considered unreliable, as metrics indicate poor data quality at this position in the gnomAD database. This variant has not been reported in the literature in individuals affected with NEFH-related conditions. Advanced modeling of protein sequence and biophysical properties (such as structural, functional, and spatial information, amino acid conservation, physicochemical variation, residue mobility, and thermodynamic stability) performed at Invitae indicates that this missense variant is not expected to disrupt NEFH protein function with a negative predictive value of 95%. In summary, the available evidence is currently insufficient to determine the role of this variant in disease. Therefore, it has been classified as a Variant of Uncertain Significance.

NM_021076.4(NEFH):c.122C>T (p.Ala41Val)

Gene: NEFH (neurofilament heavy chain; plus strand). Cytogenetic location: 22q12.2.
Variant type: single nucleotide variant.
Coding change: c.122C>T on transcript NM_021076.4 (MANE Select); coding-DNA position 122, C replaced by T.
Protein change: p.Ala41Val; replaces alanine 41 with valine.
Molecular consequence: missense variant.
Genome position (GRCh38, 1-based): chr22:29,480,384, C>T. VCF-style: chr22-29480384-C-T. GRCh37 (hg19) VCF-style: chr22-29876373-C-T.
Other names: short protein forms A41V.
Identifiers: ClinVar variation 2957103 (VCV002957103.3), dbSNP rs1169876176, ClinGen allele CA411121461.